The following is an entry in ClinVar:

ClinVar aggregate classification (germline): Uncertain significance. Review status: criteria provided, multiple submitters, no conflicts (2 of 4 stars). 2 submissions from 2 submitters: Uncertain significance (2). Last evaluated 2024-07-14.

Conditions:
Neurodevelopmental disorder with or without hyperkinetic movements and seizures, autosomal dominant. Also called: Intellectual disability, autosomal dominant 8. Identifiers: MedGen C3280282, MONDO:0013655, OMIM 614254.

Allele frequency attached by ClinVar (database versions not stated): gnomAD exomes below 0.00001.
gnomAD v4.1: 1 of 1,613,686 alleles (0.000062%); highest among the groups gnomAD compares: Non-Finnish European, 0.000085%; no homozygotes.

Submissions (2):

Labcorp Genetics (formerly Invitae), Labcorp
Classification: Uncertain significance for Neurodevelopmental disorder with or without hyperkinetic movements and seizures, autosomal dominant. Last evaluated: 2024-07-14. Review status: criteria provided, single submitter. Criteria: Invitae Variant Classification Sherloc (09022015). Collection method: clinical testing. Allele origin: germline.
Comment: This sequence change replaces glycine, which is neutral and non-polar, with aspartic acid, which is acidic and polar, at codon 823 of the GRIN1 protein (p.Gly823Asp). This variant is not present in population databases (gnomAD no frequency). This variant has not been reported in the literature in individuals affected with GRIN1-related conditions. ClinVar contains an entry for this variant (Variation ID: 1304110). Advanced modeling of protein sequence and biophysical properties (such as structural, functional, and spatial information, amino acid conservation, physicochemical variation, residue mobility, and thermodynamic stability) has been performed at Invitae for this missense variant, however the output from this modeling did not meet the statistical confidence thresholds required to predict the impact of this variant on GRIN1 protein function. In summary, the available evidence is currently insufficient to determine the role of this variant in disease. Therefore, it has been classified as a Variant of Uncertain Significance.

GeneDx
Classification: Uncertain significance. Last evaluated: 2018-09-04. Review status: criteria provided, single submitter. Criteria: GeneDx Variant Classification Process June 2021. Collection method: clinical testing. Allele origin: germline. Affected: yes.
Comment: Not observed in large population cohorts (Lek et al., 2016; McVean et al., 2012; Exome Variant Server); In silico analysis, which includes protein predictors and evolutionary conservation, supports a deleterious effect

NM_007327.4(GRIN1):c.2468G>A (p.Gly823Asp)

Gene: GRIN1 (glutamate ionotropic receptor NMDA type subunit 1; plus strand). Cytogenetic location: 9q34.3.
Variant type: single nucleotide variant.
Coding change: c.2468G>A on transcript NM_007327.4 (MANE Select); coding-DNA position 2468, G replaced by A.
Protein change: p.Gly823Asp; replaces glycine 823 with aspartic acid.
Molecular consequence: missense variant.
Genome position (GRCh38, 1-based): chr9:137,163,783, G>A. VCF-style: chr9-137163783-G-A. GRCh37 (hg19) VCF-style: chr9-140058235-G-A.
Other names: c.2468G>A, p.Gly823Asp (NM_000832.7, NM_021569.4); c.2531G>A, p.Gly844Asp (NM_001185090.2, NM_001185091.2); short protein forms G823D, G844D.
Identifiers: ClinVar variation 1304110 (VCV001304110.4), dbSNP rs2131303171, ClinGen allele CA375726375.